The following is an entry in ClinVar:

ClinVar aggregate classification (germline): Uncertain significance (1 of 4 stars; one submission).

Allele frequency attached by ClinVar (database versions not stated): TOPMed below 0.00001.

Submission:

Labcorp Genetics (formerly Invitae), Labcorp
Classification: Uncertain significance. Last evaluated: 2023-09-06. Review status: criteria provided, single submitter. Criteria: Invitae Variant Classification Sherloc (09022015). Collection method: clinical testing. Allele origin: germline.
Comment: ClinVar contains an entry for this variant (Variation ID: 1373523). This variant has not been reported in the literature in individuals affected with CARMIL2-related conditions. The frequency data for this variant in the population databases is considered unreliable, as metrics indicate insufficient coverage at this position in the gnomAD database. This sequence change replaces proline, which is neutral and non-polar, with leucine, which is neutral and non-polar, at codon 1039 of the CARMIL2 protein (p.Pro1039Leu). In summary, the available evidence is currently insufficient to determine the role of this variant in disease. Therefore, it has been classified as a Variant of Uncertain Significance. Advanced modeling of protein sequence and biophysical properties (such as structural, functional, and spatial information, amino acid conservation, physicochemical variation, residue mobility, and thermodynamic stability) performed at Invitae indicates that this missense variant is not expected to disrupt CARMIL2 protein function.

NM_001013838.3(CARMIL2):c.3116C>T (p.Pro1039Leu)

Gene: CARMIL2 (capping protein regulator and myosin 1 linker 2; plus strand). Cytogenetic location: 16q22.1.
Variant type: single nucleotide variant.
Coding change: c.3116C>T on transcript NM_001013838.3 (MANE Select); coding-DNA position 3116, C replaced by T.
Protein change: p.Pro1039Leu; replaces proline 1039 with leucine.
Molecular consequence: missense variant.
Genome position (GRCh38, 1-based): chr16:67,653,250, C>T. VCF-style: chr16-67653250-C-T. GRCh37 (hg19) VCF-style: chr16-67687153-C-T.
Other names: c.3008C>T, p.Pro1003Leu (NM_001317026.3); short protein forms P1039L, P1003L.
Identifiers: ClinVar variation 1373523 (VCV001373523.8), dbSNP rs2052765374, ClinGen allele CA396343425.
Genomic context (GRCh38, chr16:67,653,250, plus strand): 5'-CGACCCGGGCCCGGCCGCGGCCGCGCCGCCAGCACCACCACCGCCCGCCGCCGGGGGGCC[C>T]CCAGGTGAGCACCCTTCCCCCACTCCGGAGCGCGTGGAATTGGGGATCACGGGTGGCCCG-3'
Protein context (NP_001013860.1, residues 1029-1049): QHHHRPPPGG[Pro1039Leu]QVPPALPQEG